The following is an entry in ClinVar:

NM_007194.4(CHEK2):c.684-7_694del

Gene: CHEK2 (checkpoint kinase 2; minus strand). Cytogenetic location: 22q12.1.
Variant type: Deletion.
Coding change: c.684-7_694del on transcript NM_007194.4 (MANE Select); 7 bases into the intron before coding-DNA position 684 through coding-DNA position 694, 18 bases deleted (CCTCTAGTGGTGCCTGTG).
Molecular consequence: splice acceptor variant.
Genome position (GRCh38, 1-based): chr22:28,712,007-28,712,024, CACAGGCACCACTAGAGG deleted on the plus strand (CCTCTAGTGGTGCCTGTG on the coding strand, the reverse complement: CHEK2 is on the minus strand). VCF-style (leftmost placement, unchanged base first): chr22-28712006-CCACAGGCACCACTAGAGG-C. GRCh37 (hg19) VCF-style: chr22-29107994-CCACAGGCACCACTAGAGG-C.
Other names: c.21-7_31del (NM_001437942.1, NM_001257387.3); c.483-7_493del (NM_001349956.3); c.684-7_694del (NM_145862.3); c.777-7_787del (NM_001438295.1, NM_001438293.1); c.813-7_823del (NM_001438294.1, NM_001005735.3).
Identifiers: ClinVar variation 801160 (VCV000801160.7), dbSNP rs1555921323, ClinGen allele CA915952863.
Genomic context (GRCh38, chr22:28,712,006, plus strand): 5'-CTGATGATCTTTATGGCTACTTTCTTACATGTTTTCCTCTCGAAAGCCAGCTTTACCTCT[CCACAGGCACCACTAGAGG>C]GAAAAACAAAGATAGTGATTGTCTGAATGTTTTTAATTATGAGACCTACCACTCCTGGGT-3'

ClinVar aggregate classification (germline): Pathogenic/Likely pathogenic. Review status: criteria provided, multiple submitters, no conflicts (2 of 4 stars). 3 submissions from 3 submitters: Pathogenic (1); Likely pathogenic (2). Last evaluated 2022-01-28.

Conditions:
Familial cancer of breast. Also called: hereditary breast carcinoma; BREAST CANCER, FAMILIAL; Hereditary breast cancer. Identifiers: Orphanet 227535, MedGen C0346153, MONDO:0016419, OMIM 114480. Disease mechanism: loss of function.

Allele frequency attached by ClinVar (database versions not stated): gnomAD 0.00001.

Submissions (3):

Labcorp Genetics (formerly Invitae), Labcorp
Classification: Likely pathogenic for Familial cancer of breast. Last evaluated: 2022-01-28. Review status: criteria provided, single submitter. Criteria: Invitae Variant Classification Sherloc (09022015). Collection method: clinical testing. Allele origin: germline.
Comment: In summary, the currently available evidence indicates that the variant is pathogenic, but additional data are needed to prove that conclusively. Therefore, this variant has been classified as Likely Pathogenic. Algorithms developed to predict the effect of sequence changes on RNA splicing suggest that this variant may disrupt the consensus splice site. ClinVar contains an entry for this variant (Variation ID: 801160). This variant has not been reported in the literature in individuals affected with CHEK2-related conditions. This variant is not present in population databases (gnomAD no frequency). This variant results in the deletion of part of exon 6 (c.684-7_694del) of the CHEK2 gene. It is expected to disrupt RNA splicing. Variants that disrupt the donor or acceptor splice site typically lead to a loss of protein function (PMID: 16199547), and loss-of-function variants in CHEK2 are known to be pathogenic (PMID: 21876083, 24713400).

Baylor Genetics
Classification: Likely pathogenic for Familial cancer of breast. Last evaluated: 2020-12-10. Review status: criteria provided, single submitter. Criteria: ACMG Guidelines, 2015. Collection method: clinical testing. Allele origin: unknown.

Quest Diagnostics Nichols Institute San Juan Capistrano
Classification: Pathogenic. Last evaluated: 2019-03-14. Review status: criteria provided, single submitter. Criteria: Quest Diagnostics criteria. Collection method: clinical testing. Allele origin: germline.
Comment: The variant disrupts a canonical splice site, and is therefore predicted to result in the loss of a functional protein. Found in at least one symptomatic patient, and not found in general population data.

Literature cited by the submitters: PubMed 16199547 (cited by Labcorp Genetics (formerly Invitae), Labcorp); PubMed 21876083 (cited by Labcorp Genetics (formerly Invitae), Labcorp); PubMed 24713400 (cited by Labcorp Genetics (formerly Invitae), Labcorp).